The following is an entry in ClinVar:

NM_000057.4(BLM):c.2911G>T (p.Glu971Ter)

Gene: BLM (BLM RecQ like helicase; plus strand). Cytogenetic location: 15q26.1.
Variant type: single nucleotide variant.
Coding change: c.2911G>T on transcript NM_000057.4 (MANE Select); coding-DNA position 2911, G replaced by T.
Protein change: p.Glu971Ter; replaces glutamic acid 971 with a stop codon.
Molecular consequence: nonsense.
Genome position (GRCh38, 1-based): chr15:90,790,736, G>T. VCF-style: chr15-90790736-G-T. GRCh37 (hg19) VCF-style: chr15-91333966-G-T.
Other names: c.2911G>T, p.Glu971Ter (NM_001287246.2, NM_001287247.2); c.1786G>T, p.Glu596Ter (NM_001287248.2); short protein forms E596*, E971*.
Identifiers: ClinVar variation 2683833 (VCV002683833.1), dbSNP rs2151184569, ClinGen allele CA393846398.

ClinVar aggregate classification (germline): drug response (0 of 4 stars; one submission).

Conditions:
Olaparib response. Also called: Lynparza response. Identifiers: MedGen CN224080.

Submission:

Department of Thoracic Surgery and State Key Laboratory of Genetic Engineering, Fudan University Shanghai Cancer Center
Classification: drug response for Olaparib response. Last evaluated: 2023-11-01. Review status: no assertion criteria provided. Collection method: research. Allele origin: germline. Affected: yes.
Comment: Germline variants of Holliday junction resolvase genes in multiple primary malignancies involving lung cancer lead to Olaparib sensitization.